The following is an entry in ClinVar:

NM_020297.4(ABCC9):c.1035G>C (p.Lys345Asn)

Gene: ABCC9 (ATP binding cassette subfamily C member 9; minus strand). Cytogenetic location: 12p12.1.
Variant type: single nucleotide variant.
Coding change: c.1035G>C on transcript NM_020297.4 (MANE Select); coding-DNA position 1035, G replaced by C.
Protein change: p.Lys345Asn; replaces lysine 345 with asparagine.
Molecular consequence: missense variant.
Genome position (GRCh38, 1-based): chr12:21,910,955, C>G on the plus strand (G>C on the coding strand, the complement: ABCC9 is on the minus strand). VCF-style: chr12-21910955-C-G. GRCh37 (hg19) VCF-style: chr12-22063889-C-G.
Other names: c.1035G>C, p.Lys345Asn (NM_001377273.1, NM_005691.4); c.171G>C, p.Lys57Asn (NM_001377274.1); short protein forms K57N, K345N.
Identifiers: ClinVar variation 3681219 (VCV003681219.2).

ClinVar aggregate classification (germline): Uncertain significance (1 of 4 stars; one submission).

Conditions:
Dilated cardiomyopathy 1O (CMD1O). Also called: CARDIOMYOPATHY, DILATED, WITH VENTRICULAR TACHYCARDIA. Identifiers: Orphanet 154, MedGen C1837839, MONDO:0012062, OMIM 608569.

gnomAD v4.1: 4 of 1,611,996 alleles (0.00025%); highest among the groups gnomAD compares: Non-Finnish European, 0.00034%; no homozygotes.

Submission:

Labcorp Genetics (formerly Invitae), Labcorp
Classification: Uncertain significance for Dilated cardiomyopathy 1O. Last evaluated: 2024-08-31. Review status: criteria provided, single submitter. Criteria: Invitae Variant Classification Sherloc (09022015). Collection method: clinical testing. Allele origin: germline.
Comment: This sequence change replaces lysine, which is basic and polar, with asparagine, which is neutral and polar, at codon 345 of the ABCC9 protein (p.Lys345Asn). This variant is not present in population databases (gnomAD no frequency). This variant has not been reported in the literature in individuals affected with ABCC9-related conditions. Invitae Evidence Modeling of protein sequence and biophysical properties (such as structural, functional, and spatial information, amino acid conservation, physicochemical variation, residue mobility, and thermodynamic stability) indicates that this missense variant is not expected to disrupt ABCC9 protein function with a negative predictive value of 95%. In summary, the available evidence is currently insufficient to determine the role of this variant in disease. Therefore, it has been classified as a Variant of Uncertain Significance.